The following is an entry in ClinVar:

ClinVar aggregate classification (germline): Uncertain significance (1 of 4 stars; one submission).

Conditions:
Baller-Gerold syndrome (BGS). Also called: CRANIOSYNOSTOSIS WITH RADIAL DEFECTS. Identifiers: Orphanet 1225, MedGen C0265308, MONDO:0009039, OMIM 218600.

Submission:

Labcorp Genetics (formerly Invitae), Labcorp
Classification: Uncertain significance for Baller-Gerold syndrome. Last evaluated: 2021-11-13. Review status: criteria provided, single submitter. Criteria: Invitae Variant Classification Sherloc (09022015). Collection method: clinical testing. Allele origin: germline.
Comment: This sequence change replaces glutamic acid, which is acidic and polar, with alanine, which is neutral and non-polar, at codon 1109 of the RECQL4 protein (p.Glu1109Ala). This variant is not present in population databases (gnomAD no frequency). This variant has not been reported in the literature in individuals affected with RECQL4-related conditions. Experimental studies and prediction algorithms are not available or were not evaluated, and the functional significance of this variant is currently unknown. In summary, the available evidence is currently insufficient to determine the role of this variant in disease. Therefore, it has been classified as a Variant of Uncertain Significance.

NM_004260.4(RECQL4):c.3326A>C (p.Glu1109Ala)

Gene: RECQL4 (RecQ like helicase 4; minus strand). Cytogenetic location: 8q24.3.
Variant type: single nucleotide variant.
Coding change: c.3326A>C on transcript NM_004260.4 (MANE Select); coding-DNA position 3326, A replaced by C.
Protein change: p.Glu1109Ala; replaces glutamic acid 1109 with alanine.
Molecular consequence: missense variant.
Genome position (GRCh38, 1-based): chr8:144,511,978, T>G on the plus strand (A>C on the coding strand, the complement: RECQL4 is on the minus strand). VCF-style: chr8-144511978-T-G. GRCh37 (hg19) VCF-style: chr8-145737361-T-G.
Other names: short protein forms E1109A.
Identifiers: ClinVar variation 1439383 (VCV001439383.6), dbSNP rs1445287185, ClinGen allele CA372668613.